The following is an entry in ClinVar:

ClinVar aggregate classification (germline): Uncertain significance (1 of 4 stars; one submission).

Conditions:
Progressive sclerosing poliodystrophy (MTDPS4A). Also called: ALPERS PROGRESSIVE INFANTILE POLIODYSTROPHY; NEURONAL DEGENERATION OF CHILDHOOD WITH LIVER DISEASE, PROGRESSIVE; Alpers Syndrome; ALPERS DIFFUSE DEGENERATION OF CEREBRAL GRAY MATTER WITH HEPATIC CIRRHOSIS; Alpers-Huttenlocher Syndrome; Mitochondrial DNA depletion syndrome 4A (Alpers type). Identifiers: Orphanet 726, MedGen C0205710, MONDO:0008758, OMIM 203700.

Allele frequency attached by ClinVar (database versions not stated): gnomAD exomes below 0.00001; ExAC 0.00001; gnomAD 0.00001.
gnomAD v4.1: 4 of 1,614,020 alleles (0.00025%); highest among the groups gnomAD compares: African/African-American, 0.0027%; no homozygotes.

Submission:

Labcorp Genetics (formerly Invitae), Labcorp
Classification: Uncertain significance for Progressive sclerosing poliodystrophy. Last evaluated: 2024-06-12. Review status: criteria provided, single submitter. Criteria: Invitae Variant Classification Sherloc (09022015). Collection method: clinical testing. Allele origin: germline.
Comment: This sequence change replaces tyrosine, which is neutral and polar, with histidine, which is basic and polar, at codon 1210 of the POLG protein (p.Tyr1210His). This variant is present in population databases (rs747627023, gnomAD 0.01%). This variant has not been reported in the literature in individuals affected with POLG-related conditions. ClinVar contains an entry for this variant (Variation ID: 1429344). Advanced modeling of protein sequence and biophysical properties (such as structural, functional, and spatial information, amino acid conservation, physicochemical variation, residue mobility, and thermodynamic stability) performed at Invitae indicates that this missense variant is expected to disrupt POLG protein function with a positive predictive value of 95%. In summary, the available evidence is currently insufficient to determine the role of this variant in disease. Therefore, it has been classified as a Variant of Uncertain Significance.

NM_002693.3(POLG):c.3628T>C (p.Tyr1210His)

Gene: POLG (DNA polymerase gamma, catalytic subunit; minus strand). Cytogenetic location: 15q26.1.
Variant type: single nucleotide variant.
Coding change: c.3628T>C on transcript NM_002693.3 (MANE Select); coding-DNA position 3628, T replaced by C.
Protein change: p.Tyr1210His; replaces tyrosine 1210 with histidine.
Molecular consequence: missense variant.
Genome position (GRCh38, 1-based): chr15:89,317,391, A>G on the plus strand (T>C on the coding strand, the complement: POLG is on the minus strand). VCF-style: chr15-89317391-A-G. GRCh37 (hg19) VCF-style: chr15-89860622-A-G.
Other names: c.3628T>C, p.Tyr1210His (NM_001126131.2); short protein forms Y1210H.
Identifiers: ClinVar variation 1429344 (VCV001429344.8), dbSNP rs747627023, ClinGen allele CA316788.